The following is an entry in ClinVar:

ClinVar aggregate classification (germline): Likely benign. Review status: criteria provided, multiple submitters, no conflicts (2 of 4 stars). 4 submissions from 4 submitters: Likely benign (3). 1 of the submissions does not count toward it. Last evaluated 2026-01-28.

Conditions:
NEB-related disorder. Also called: NEB-related condition; NEB-Related Disorders.
Nemaline myopathy 2 (NEM2). Also called: Nemaline myopathy 2, autosomal recessive. Identifiers: MedGen C1850569, MONDO:0009725, OMIM 256030.

Allele frequency attached by ClinVar (database versions not stated): gnomAD exomes 0.00013 and 0.00031; ExAC 0.00046; 1000 Genomes Project 0.00120; 1000 Genomes Project 30x 0.00125; TOPMed 0.00138; ESP Exome Variant Server 0.00139; gnomAD 0.00140 and 0.00148.
gnomAD v4.1: 410 of 1,597,328 alleles (0.026%); highest among the groups gnomAD compares: African/African-American, 0.49%; no homozygotes.

Submissions (4):

Labcorp Genetics (formerly Invitae), Labcorp
Classification: Likely benign for Nemaline myopathy 2. Last evaluated: 2026-01-28. Review status: criteria provided, single submitter. Criteria: Invitae Variant Classification Sherloc (09022015). Collection method: clinical testing. Allele origin: germline.

Blueprint Genetics
Classification: Likely benign. Last evaluated: 2024-11-26. Review status: criteria provided, single submitter. Criteria: ACMG Guidelines, 2015. Collection method: clinical testing. Allele origin: germline.

GeneDx
Classification: Likely benign. Last evaluated: 2018-05-18. Review status: criteria provided, single submitter. Criteria: GeneDx Variant Classification Process June 2021. Collection method: clinical testing. Allele origin: germline. Affected: yes.

PreventionGenetics, part of Exact Sciences
Classification: Likely benign for NEB-related condition. Last evaluated: 2019-05-21. Review status: no assertion criteria provided. Collection method: clinical testing. Allele origin: germline. Not counted in ClinVar's aggregate classification.
Comment: This variant is classified as likely benign based on ACMG/AMP sequence variant interpretation guidelines (Richards et al. 2015 PMID: 25741868, with internal and published modifications).

NM_001164508.2(NEB):c.19836+10C>G

Gene: NEB (nebulin; minus strand). Cytogenetic location: 2q23.3.
Variant type: single nucleotide variant.
Coding change: c.19836+10C>G on transcript NM_001164508.2 (MANE Select); 10 bases into the intron after coding-DNA position 19836, C replaced by G.
Molecular consequence: intron variant.
Genome position (GRCh38, 1-based): chr2:151,552,662, G>C on the plus strand (C>G on the coding strand, the complement: NEB is on the minus strand). VCF-style: chr2-151552662-G-C. GRCh37 (hg19) VCF-style: chr2-152409176-G-C.
Other names: c.14733+10C>G (NM_004543.5); c.19836+10C>G (NM_001164507.2, NM_001271208.2).
Identifiers: ClinVar variation 510425 (VCV000510425.17), dbSNP rs148814261, ClinGen allele CA1907527.